The following is an entry in ClinVar:

ClinVar aggregate classification (germline): Uncertain significance. Review status: criteria provided, multiple submitters, no conflicts (2 of 4 stars). 3 submissions from 3 submitters: Uncertain significance (3). Last evaluated 2024-12-12.

Conditions:
Cardiovascular phenotype. Identifiers: MedGen CN230736.
Cardiomyopathy (CMYO). Also called: Cardiomyopathies. Identifiers: Orphanet 167848, MedGen C0878544, MONDO:0004994, HP:0001638. Inheritance: Various modes of inheritance.
Arrhythmogenic right ventricular dysplasia 8 (ARVD8). Also called: Arrhythmogenic Right Ventricular Dysplasia/Cardiomyopathy 8; ARRHYTHMOGENIC RIGHT VENTRICULAR DYSPLASIA, FAMILIAL, 8; ARRHYTHMOGENIC RIGHT VENTRICULAR CARDIOMYOPATHY 8. Identifiers: MedGen C1843896, MONDO:0011831, OMIM 607450.
Arrhythmogenic cardiomyopathy with wooly hair and keratoderma. Also called: PALMOPLANTAR KERATODERMA WITH LEFT VENTRICULAR CARDIOMYOPATHY AND WOOLLY HAIR; Carvajal syndrome; Dilated cardiomyopathy with woolly hair and keratoderma; Arrhythmogenic cardiomyopathy with woolly hair and keratoderma. Identifiers: Orphanet 65282, MedGen C1854063, MONDO:0011581, OMIM 605676.

Allele frequency attached by ClinVar (database versions not stated): TOPMed below 0.00001; gnomAD 0.00001.
gnomAD v4.1: 1 of 1,614,068 alleles (0.000062%); highest among the groups gnomAD compares: Non-Finnish European, 0.000085%; no homozygotes.

Submissions (3):

Labcorp Genetics (formerly Invitae), Labcorp
Classification: Uncertain significance for Arrhythmogenic cardiomyopathy with wooly hair and keratoderma; Arrhythmogenic right ventricular dysplasia 8. Last evaluated: 2024-12-12. Review status: criteria provided, single submitter. Criteria: Invitae Variant Classification Sherloc (09022015). Collection method: clinical testing. Allele origin: germline.
Comment: This sequence change replaces isoleucine, which is neutral and non-polar, with leucine, which is neutral and non-polar, at codon 1253 of the DSP protein (p.Ile1253Leu). This variant is not present in population databases (gnomAD no frequency). This variant has not been reported in the literature in individuals affected with DSP-related conditions. ClinVar contains an entry for this variant (Variation ID: 925721). An algorithm developed to predict the effect of missense changes on protein structure and function (PolyPhen-2) suggests that this variant is likely to be tolerated. In summary, the available evidence is currently insufficient to determine the role of this variant in disease. Therefore, it has been classified as a Variant of Uncertain Significance.

Color Diagnostics, LLC DBA Color Health
Classification: Uncertain significance for Cardiomyopathy. Last evaluated: 2024-03-06. Review status: criteria provided, single submitter. Criteria: ACMG Guidelines, 2015. Collection method: clinical testing. Allele origin: germline.
Comment: This missense variant replaces isoleucine with leucine at codon 1253 of the DSP protein. Computational prediction suggests that this variant may not impact protein structure and function (internally defined REVEL score threshold <= 0.5, PMID: 27666373). To our knowledge, functional studies have not been performed for this variant. This variant has not been reported in individuals affected with cardiovascular disorders in the literature. This variant has not been identified in the general population by the Genome Aggregation Database (gnomAD). The available evidence is insufficient to determine the role of this variant in disease conclusively. Therefore, this variant is classified as a Variant of Uncertain Significance.

Ambry Genetics
Classification: Uncertain significance for Cardiovascular phenotype. Last evaluated: 2023-06-14. Review status: criteria provided, single submitter. Criteria: Ambry Variant Classification Scheme 2023. Collection method: clinical testing. Allele origin: germline.
Comment: The p.I1253L variant (also known as c.3757A>C), located in coding exon 23 of the DSP gene, results from an A to C substitution at nucleotide position 3757. The isoleucine at codon 1253 is replaced by leucine, an amino acid with highly similar properties. This amino acid position is conserved. In addition, this alteration is predicted to be tolerated by in silico analysis. Since supporting evidence is limited at this time, the clinical significance of this alteration remains unclear.

NM_004415.4(DSP):c.3757A>C (p.Ile1253Leu)

Gene: DSP (desmoplakin; plus strand). Cytogenetic location: 6p24.3.
Variant type: single nucleotide variant.
Coding change: c.3757A>C on transcript NM_004415.4 (MANE Select); coding-DNA position 3757, A replaced by C.
Protein change: p.Ile1253Leu; replaces isoleucine 1253 with leucine.
Molecular consequence: missense variant. On other transcripts: intron variant (1).
Genome position (GRCh38, 1-based): chr6:7,579,947, A>C. VCF-style: chr6-7579947-A-C. GRCh37 (hg19) VCF-style: chr6-7580180-A-C.
Other names: c.3757A>C, p.Ile1253Leu (NM_001319034.2); c.3582+175A>C (NM_001008844.3); short protein forms I1253L.
Identifiers: ClinVar variation 925721 (VCV000925721.15), dbSNP rs924651718, ClinGen allele CA133968727.